The following is an entry in ClinVar:

ClinVar aggregate classification (germline): Conflicting classifications of pathogenicity. Review status: criteria provided, conflicting classifications (1 of 4 stars). 2 submissions from 2 submitters: Uncertain significance (1); Likely benign (1). Last evaluated 2025-07-14.

Conditions:
Genitopatellar syndrome (GTPTS). Also called: Genitopatellar syndrome (GPS); ABSENT PATELLAE, SCROTAL HYPOPLASIA, RENAL ANOMALIES, FACIAL DYSMORPHISM, AND MENTAL RETARDATION. Identifiers: Orphanet 85201, MedGen C1853566, MONDO:0011640, OMIM 606170.

Allele frequency attached by ClinVar (database versions not stated): gnomAD 0.00003; ExAC 0.00004; TOPMed 0.00004.
gnomAD v4.1: 45 of 1,614,004 alleles (0.0028%); highest among the groups gnomAD compares: Middle Eastern, 0.15%; no homozygotes.

Submissions (2):

Labcorp Genetics (formerly Invitae), Labcorp
Classification: Uncertain significance for Genitopatellar syndrome. Last evaluated: 2025-07-14. Review status: criteria provided, single submitter. Criteria: Invitae Variant Classification Sherloc (09022015). Collection method: clinical testing. Allele origin: germline.
Comment: This sequence change replaces valine, which is neutral and non-polar, with isoleucine, which is neutral and non-polar, at codon 1128 of the KAT6B protein (p.Val1128Ile). This variant is present in population databases (rs760250655, gnomAD 0.009%). This missense change has been observed in individual(s) with clinical features of KAT6B-related conditions (PMID: 30919572). ClinVar contains an entry for this variant (Variation ID: 2030166). Invitae Evidence Modeling of protein sequence and biophysical properties (such as structural, functional, and spatial information, amino acid conservation, physicochemical variation, residue mobility, and thermodynamic stability) indicates that this missense variant is not expected to disrupt KAT6B protein function with a negative predictive value of 80%. In summary, the available evidence is currently insufficient to determine the role of this variant in disease. Therefore, it has been classified as a Variant of Uncertain Significance.

CeGaT Center for Human Genetics Tuebingen
Classification: Likely benign. Last evaluated: 2023-03-01. Review status: criteria provided, single submitter. Criteria: CeGaT Center For Human Genetics Tuebingen Variant Classification Criteria Version 2. Collection method: clinical testing. Allele origin: germline. Affected: yes. Observed: 1 variant allele.
Comment: KAT6B: BP4

Literature cited by the submitters: PubMed 30919572 (cited by Labcorp Genetics (formerly Invitae), Labcorp).

NM_012330.4(KAT6B):c.3382G>A (p.Val1128Ile)

Gene: KAT6B (lysine acetyltransferase 6B; plus strand). Cytogenetic location: 10q22.2.
Variant type: single nucleotide variant.
Coding change: c.3382G>A on transcript NM_012330.4 (MANE Select); coding-DNA position 3382, G replaced by A.
Protein change: p.Val1128Ile; replaces valine 1128 with isoleucine.
Molecular consequence: missense variant.
Genome position (GRCh38, 1-based): chr10:75,024,967, G>A. VCF-style: chr10-75024967-G-A. GRCh37 (hg19) VCF-style: chr10-76784725-G-A.
Other names: c.2833G>A, p.Val945Ile (NM_001256468.2, NM_001370138.1); c.2506G>A, p.Val836Ile (NM_001256469.2, NM_001370139.1, NM_001370140.1 and 2 more transcripts); c.2344G>A, p.Val782Ile (NM_001370132.1); c.1693G>A, p.Val565Ile (NM_001370133.1); c.1297G>A, p.Val433Ile (NM_001370134.1); c.1039G>A, p.Val347Ile (NM_001370135.1); c.3382G>A, p.Val1128Ile (NM_001370136.1, NM_001370137.1); c.2317G>A, p.Val773Ile (NM_001370143.1, NM_001370144.1); short protein forms V1128I, V347I, V773I, V433I, V782I, V836I, V565I, V945I.
Identifiers: ClinVar variation 2030166 (VCV002030166.28), dbSNP rs760250655, ClinGen allele CA5564824.